The following is an entry in ClinVar:

NM_001165963.4(SCN1A):c.172G>A (p.Gly58Arg)

Gene: SCN1A (sodium voltage-gated channel alpha subunit 1; minus strand). Cytogenetic location: 2q24.3.
Variant type: single nucleotide variant.
Coding change: c.172G>A on transcript NM_001165963.4 (MANE Select); coding-DNA position 172, G replaced by A.
Protein change: p.Gly58Arg; replaces glycine 58 with arginine.
Molecular consequence: missense variant. On other transcripts: 5 prime UTR variant (1), non-coding transcript variant (1).
Genome position (GRCh38, 1-based): chr2:166,073,450, C>T on the plus strand (G>A on the coding strand, the complement: SCN1A is on the minus strand). VCF-style: chr2-166073450-C-T. GRCh37 (hg19) VCF-style: chr2-166929960-C-T.
Other names: c.172G>A, p.Gly58Arg (NM_001165964.3, NM_001202435.3, NM_001353948.2 and 10 more transcripts); c.-2254G>A (NM_001353961.2); short protein forms G58R.
Identifiers: ClinVar variation 1066871 (VCV001066871.10), dbSNP rs1553560785, ClinGen allele CA349242943.

ClinVar aggregate classification (germline): Pathogenic (1 of 4 stars; one submission).

Conditions:
Early-infantile DEE. Also called: Ohtahara syndrome; Early infantile epileptic encephalopathy with suppression bursts; Early infantile epileptic encephalopathy. Identifiers: Orphanet 1934, MedGen C0393706, MONDO:0800491.

Submission:

Labcorp Genetics (formerly Invitae), Labcorp
Classification: Pathogenic for Early-infantile DEE. Last evaluated: 2023-10-22. Review status: criteria provided, single submitter. Criteria: Invitae Variant Classification Sherloc (09022015). Collection method: clinical testing. Allele origin: germline.
Comment: This sequence change replaces glycine, which is neutral and non-polar, with arginine, which is basic and polar, at codon 58 of the SCN1A protein (p.Gly58Arg). This variant is not present in population databases (gnomAD no frequency). This missense change has been observed in individual(s) with SCN1A-related autosomal dominant conditions (PMID: 24848745; Invitae). In at least one individual the variant was observed to be de novo. ClinVar contains an entry for this variant (Variation ID: 1066871). Advanced modeling of protein sequence and biophysical properties (such as structural, functional, and spatial information, amino acid conservation, physicochemical variation, residue mobility, and thermodynamic stability) performed at Invitae indicates that this missense variant is expected to disrupt SCN1A protein function. This variant disrupts the p.Gly58 amino acid residue in SCN1A. Other variant(s) that disrupt this residue have been observed in individuals with SCN1A-related conditions (PMID: 18930999), which suggests that this may be a clinically significant amino acid residue. For these reasons, this variant has been classified as Pathogenic.

Literature cited by the submitters: PubMed 24848745; PubMed 18930999.